The following is an entry in ClinVar:

ClinVar aggregate classification (germline): Uncertain significance (1 of 4 stars; one submission).

Submission:

GeneDx
Classification: Uncertain significance. Last evaluated: 2025-10-15. Review status: criteria provided, single submitter. Criteria: GeneDx Variant Classification Process June 2021. Collection method: clinical testing. Allele origin: germline.
Comment: Not observed at significant frequency in large population cohorts (gnomAD); In silico analysis supports that this missense variant has a deleterious effect on protein structure/function; Has not been previously published as pathogenic or benign to our knowledge

NM_030665.4(RAI1):c.5606G>T (p.Cys1869Phe)

Gene: RAI1 (retinoic acid induced 1; plus strand). Cytogenetic location: 17p11.2.
Variant type: single nucleotide variant.
Coding change: c.5606G>T on transcript NM_030665.4 (MANE Select); coding-DNA position 5606, G replaced by T.
Protein change: p.Cys1869Phe; replaces cysteine 1869 with phenylalanine.
Molecular consequence: missense variant.
Genome position (GRCh38, 1-based): chr17:17,803,796, G>T. VCF-style: chr17-17803796-G-T. GRCh37 (hg19) VCF-style: chr17-17707110-G-T.
Other names: short protein forms C1869F.
Identifiers: ClinVar variation 4083051 (VCV004083051.2).